The following is an entry in ClinVar:

NM_152641.4(ARID2):c.1270A>G (p.Met424Val)

Gene: ARID2 (AT-rich interaction domain 2; plus strand). Cytogenetic location: 12q12.
Variant type: single nucleotide variant.
Coding change: c.1270A>G on transcript NM_152641.4 (MANE Select); coding-DNA position 1270, A replaced by G.
Protein change: p.Met424Val; replaces methionine 424 with valine.
Molecular consequence: missense variant.
Genome position (GRCh38, 1-based): chr12:45,837,647, A>G. VCF-style: chr12-45837647-A-G. GRCh37 (hg19) VCF-style: chr12-46231430-A-G.
Other names: c.1270A>G, p.Met424Val (NM_001347839.2); short protein forms M424V.
Identifiers: ClinVar variation 4863585 (VCV004863585.1).
Genomic context (GRCh38, chr12:45,837,647, plus strand): 5'-ATTTGTCATCTCACTTTACCTGATGTGCTGCTTGTAATCTCAACACTCGAGGTGCTATAC[A>G]TGCTCACGGAAATGGGAGATGTTGCTTGCACAAAAATTGCAAAAGTAGAAAAGAGCATAG-3'
Protein context (NP_689854.2, residues 414-434): LVISTLEVLY[Met424Val]LTEMGDVACT

ClinVar aggregate classification (germline): Uncertain significance (1 of 4 stars; one submission).

Conditions:
Inborn genetic diseases. Identifiers: MedGen C0950123, MeSH D030342.

gnomAD v4.1: 2 of 1,614,004 alleles (0.00012%); no homozygotes.

Submission:

Ambry Genetics
Classification: Uncertain significance for Inborn genetic diseases. Last evaluated: 2026-05-19. Review status: criteria provided, single submitter. Criteria: Ambry Variant Classification Scheme 2023. Collection method: clinical testing. Allele origin: germline.
Comment: The c.1270A>G (p.M424V) alteration is located in exon 10 (coding exon 10) of the ARID2 gene. This alteration results from a A to G substitution at nucleotide position 1270, causing the methionine (M) at amino acid position 424 to be replaced by a valine (V). Based on data from gnomAD, the G allele has an overall frequency of <0.001% (1/251124) total alleles studied. The highest observed frequency was <0.001% (/) of alleles. Based on insufficient or conflicting evidence, the clinical significance of this alteration remains unclear.